The following is an entry in ClinVar:

ClinVar aggregate classification (germline): Uncertain significance. Review status: criteria provided, single submitter (1 of 4 stars). 2 submissions from 2 submitters: Uncertain significance (1). 1 of the submissions does not count toward it. Last evaluated 2024-04-15.

Conditions:
Neuronal ceroid lipofuscinosis. Also called: Neuronal Ceroid Lipofuscinoses. Identifiers: Orphanet 216, Orphanet 79263, MedGen C0027877, MONDO:0016295. Disease mechanism: loss of function.
Neuronal ceroid lipofuscinosis 10 (CLN10). Also called: NEURONAL CEROID LIPOFUSCINOSIS DUE TO CATHEPSIN D DEFICIENCY; CTSD-Related Neuronal Ceroid-Lipofuscinosis. Identifiers: Orphanet 228337, MedGen C1864669, MONDO:0012414, OMIM 610127.

Allele frequency attached by ClinVar (database versions not stated): gnomAD exomes below 0.00001.
gnomAD v4.1: 3 of 1,613,066 alleles (0.00019%); highest among the groups gnomAD compares: Admixed American, 0.0017%; no homozygotes.

Submissions (2):

Labcorp Genetics (formerly Invitae), Labcorp
Classification: Uncertain significance for Neuronal ceroid lipofuscinosis. Last evaluated: 2024-04-15. Review status: criteria provided, single submitter. Criteria: Invitae Variant Classification Sherloc (09022015). Collection method: clinical testing. Allele origin: germline.
Comment: This sequence change replaces arginine, which is basic and polar, with histidine, which is basic and polar, at codon 399 of the CTSD protein (p.Arg399His). This variant is present in population databases (rs797045138, gnomAD 0.0009%). This missense change has been observed in individual(s) with neurodegenerative disorders and/or neuronal ceroid lipofuscinosis (PMID: 25298308, 36435927). ClinVar contains an entry for this variant (Variation ID: 208849). Advanced modeling of protein sequence and biophysical properties (such as structural, functional, and spatial information, amino acid conservation, physicochemical variation, residue mobility, and thermodynamic stability) performed at Invitae indicates that this missense variant is not expected to disrupt CTSD protein function with a negative predictive value of 80%. In summary, the available evidence is currently insufficient to determine the role of this variant in disease. Therefore, it has been classified as a Variant of Uncertain Significance.

OMIM
Classification: Pathogenic for CEROID LIPOFUSCINOSIS, NEURONAL, 10. Last evaluated: 2014-11-11. Review status: no assertion criteria provided. Collection method: literature only. Allele origin: germline. Not counted in ClinVar's aggregate classification.

Literature cited by the submitters: PubMed 25298308 (cited by Labcorp Genetics (formerly Invitae), Labcorp and OMIM); PubMed 36435927 (cited by Labcorp Genetics (formerly Invitae), Labcorp).

NM_001909.5(CTSD):c.1196G>A (p.Arg399His)

Gene: CTSD (cathepsin D; minus strand). Cytogenetic location: 11p15.5.
Variant type: single nucleotide variant.
Coding change: c.1196G>A on transcript NM_001909.5 (MANE Select); coding-DNA position 1196, G replaced by A.
Protein change: p.Arg399His; replaces arginine 399 with histidine.
Molecular consequence: missense variant.
Genome position (GRCh38, 1-based): chr11:1,753,546, C>T on the plus strand (G>A on the coding strand, the complement: CTSD is on the minus strand). VCF-style: chr11-1753546-C-T. GRCh37 (hg19) VCF-style: chr11-1774776-C-T.
Other names: short protein forms R399H.
Identifiers: ClinVar variation 208849 (VCV000208849.7), dbSNP rs797045138, ClinGen allele CA276038.